The following is an entry in ClinVar:

NM_003872.3(NRP2):c.280G>C (p.Asp94His)

Gene: NRP2 (neuropilin 2; plus strand). Cytogenetic location: 2q33.3.
Variant type: single nucleotide variant.
Coding change: c.280G>C on transcript NM_003872.3 (MANE Select); coding-DNA position 280, G replaced by C.
Protein change: p.Asp94His; replaces aspartic acid 94 with histidine.
Molecular consequence: missense variant.
Genome position (GRCh38, 1-based): chr2:205,716,221, G>C. VCF-style: chr2-205716221-G-C. GRCh37 (hg19) VCF-style: chr2-206580945-G-C.
Other names: c.280G>C, p.Asp94His (NM_018534.4, NM_201264.2, NM_201266.2 and 2 more transcripts); short protein forms D94H.
Identifiers: ClinVar variation 3347586 (VCV003347586.1).
Genomic context (GRCh38, chr2:205,716,221, plus strand): 5'-GATCTTTTCTTGTCTGTGCCATCCCCACCCAGGTATGACTTTATCGAGATTCGGGATGGG[G>C]ACAGTGAATCCGCAGACCTCCTGGGCAAACACTGTGGGAACATCGCCCCGCCCACCATCA-3'
Protein context (NP_003863.2, residues 84-104): KYDFIEIRDG[Asp94His]SESADLLGKH

ClinVar aggregate classification (germline): Uncertain significance (0 of 4 stars; one submission).

Conditions:
NRP2-related disorder. Also called: NRP2-related condition.

Submission:

PreventionGenetics, part of Exact Sciences
Classification: Uncertain significance for NRP2-related condition. Last evaluated: 2024-09-25. Review status: no assertion criteria provided. Collection method: clinical testing. Allele origin: germline.
Comment: The NRP2 c.280G>C variant is predicted to result in the amino acid substitution p.Asp94His. To our knowledge, this variant has not been reported in the literature or in a large population database, indicating this variant is rare. At this time, the clinical significance of this variant is uncertain due to the absence of conclusive functional and genetic evidence.